The following is an entry in ClinVar:

NM_000170.3(GLDC):c.1145G>A (p.Cys382Tyr)

Gene: GLDC (glycine decarboxylase; minus strand). Cytogenetic location: 9p24.1.
Variant type: single nucleotide variant.
Coding change: c.1145G>A on transcript NM_000170.3 (MANE Select); coding-DNA position 1145, G replaced by A.
Protein change: p.Cys382Tyr; replaces cysteine 382 with tyrosine.
Molecular consequence: missense variant.
Genome position (GRCh38, 1-based): chr9:6,602,119, C>T on the plus strand (G>A on the coding strand, the complement: GLDC is on the minus strand). VCF-style: chr9-6602119-C-T. GRCh37 (hg19) VCF-style: chr9-6602119-C-T.
Other names: short protein forms C382Y.
Identifiers: ClinVar variation 531778 (VCV000531778.7), dbSNP rs759133707, ClinGen allele CA4980851.

ClinVar aggregate classification (germline): Pathogenic/Likely pathogenic. Review status: criteria provided, multiple submitters, no conflicts (2 of 4 stars). 2 submissions from 2 submitters: Pathogenic (1); Likely pathogenic (1). Last evaluated 2025-10-10.

Conditions:
Glycine encephalopathy 1 (GCE1). Identifiers: MedGen CN376801, MONDO:0958179, OMIM 605899.
Glycine encephalopathy. Also called: Non-ketotic hyperglycinemia; Nonketotic hyperglycinemia. Identifiers: Orphanet 407, MedGen C0751748, MONDO:0011612, HP:0008288.

Allele frequency attached by ClinVar (database versions not stated): gnomAD exomes 0.00001; ExAC 0.00002.
gnomAD v4.1: 6 of 1,602,842 alleles (0.00037%); highest among the groups gnomAD compares: Admixed American, 0.0017%; no homozygotes.

Submissions (2):

Variantyx, Inc.
Classification: Likely pathogenic for Glycine encephalopathy 1. Last evaluated: 2025-10-10. Review status: criteria provided, single submitter. Criteria: Variantyx Assertion Criteria 2022. Collection method: clinical testing. Allele origin: germline. Inheritance: Autosomal recessive inheritance. Affected: no.
Comment: This is a nonsynonymous variant in the GLDC gene (OMIM: 238300). Pathogenic variants in this gene have been associated with autosomal recessive glycine encephalopathy. Multiple computational algorithms predict a deleterious effect for this variant (REVEL score: 0.96) (PP3). This variant has been identified in the homozygous or compound heterozygous state in at least 4 individuals reported in the published literature (PMID: 27362913, 26179960) (PM3_Strong) and has a 0.0022% maximum allele frequency in non-founder control populations (PM2). Based on the current evidence, this variant is classified as likely pathogenic for autosomal recessive glycine encephalopathy.

Labcorp Genetics (formerly Invitae), Labcorp
Classification: Pathogenic for Glycine encephalopathy. Last evaluated: 2025-06-02. Review status: criteria provided, single submitter. Criteria: Invitae Variant Classification Sherloc (09022015). Collection method: clinical testing. Allele origin: germline.
Comment: This sequence change replaces cysteine, which is neutral and slightly polar, with tyrosine, which is neutral and polar, at codon 382 of the GLDC protein (p.Cys382Tyr). This variant is present in population databases (rs759133707, gnomAD 0.002%). This missense change has been observed in individual(s) with glycine encephalopathy (PMID: 26179960, 27362913). In at least one individual the data is consistent with being in trans (on the opposite chromosome) from a pathogenic variant. ClinVar contains an entry for this variant (Variation ID: 531778). Invitae Evidence Modeling of protein sequence and biophysical properties (such as structural, functional, and spatial information, amino acid conservation, physicochemical variation, residue mobility, and thermodynamic stability) indicates that this missense variant is expected to disrupt GLDC protein function with a positive predictive value of 95%. For these reasons, this variant has been classified as Pathogenic.

Literature cited by the submitters: PubMed 27362913 (cited by Variantyx, Inc. and Labcorp Genetics (formerly Invitae), Labcorp); PubMed 26179960 (cited by Variantyx, Inc. and Labcorp Genetics (formerly Invitae), Labcorp).